The following is an entry in ClinVar:

NM_000548.5(TSC2):c.5158A>C (p.Asn1720His)

Gene: TSC2 (TSC complex subunit 2; plus strand). Cytogenetic location: 16p13.3.
Variant type: single nucleotide variant.
Coding change: c.5158A>C on transcript NM_000548.5 (MANE Select); coding-DNA position 5158, A replaced by C.
Protein change: p.Asn1720His; replaces asparagine 1720 with histidine.
Molecular consequence: missense variant.
Genome position (GRCh38, 1-based): chr16:2,088,137, A>C. VCF-style: chr16-2088137-A-C. GRCh37 (hg19) VCF-style: chr16-2138138-A-C.
Other names: c.4426A>C, p.Asn1476His (NM_001318831.2); c.4990A>C, p.Asn1664His (NM_001318832.2); c.4960A>C, p.Asn1654His (NM_001363528.2); c.5026A>C, p.Asn1676His (NM_001370404.1); c.5029A>C, p.Asn1677His (NM_001370405.1, NM_021055.3); c.5155A>C, p.Asn1719His (NM_001406663.1); c.5086A>C, p.Asn1696His (NM_001406664.1); c.5080A>C, p.Asn1694His (NM_001406665.1); and 26 more; short protein forms N1228H, N1497H, N1500H, N1634H, N1650H, N1653H, N1654H, N1676H.
Identifiers: ClinVar variation 2122959 (VCV002122959.4), dbSNP rs1555440225, ClinGen allele CA394312678.

ClinVar aggregate classification (germline): Uncertain significance (1 of 4 stars; one submission).

Conditions:
Tuberous sclerosis 2 (TSC2). Identifiers: Orphanet 805, MedGen C1860707, MONDO:0013199, OMIM 613254.

Submission:

Labcorp Genetics (formerly Invitae), Labcorp
Classification: Uncertain significance for Tuberous sclerosis 2. Last evaluated: 2023-12-07. Review status: criteria provided, single submitter. Criteria: Invitae Variant Classification Sherloc (09022015). Collection method: clinical testing. Allele origin: germline.
Comment: This sequence change replaces asparagine, which is neutral and polar, with histidine, which is basic and polar, at codon 1720 of the TSC2 protein (p.Asn1720His). This variant is not present in population databases (gnomAD no frequency). This variant has not been reported in the literature in individuals affected with TSC2-related conditions. ClinVar contains an entry for this variant (Variation ID: 2122959). An algorithm developed to predict the effect of missense changes on protein structure and function (PolyPhen-2) suggests that this variant is likely to be disruptive. In summary, the available evidence is currently insufficient to determine the role of this variant in disease. Therefore, it has been classified as a Variant of Uncertain Significance.